The following is an entry in ClinVar:

NM_022336.4(EDAR):c.1179_1180insTCTTTGG (p.Gly394fs)

Genes: EDAR (ectodysplasin A receptor; minus strand), RANBP2 (RAN binding protein 2; plus strand). Cytogenetic location: 2q13.
Variant type: Insertion.
Coding change: c.1179_1180insTCTTTGG on transcript NM_022336.4 (MANE Select); coding-DNA positions 1179 to 1180, TCTTTGG inserted.
Protein change: p.Gly394fs; shifts the reading frame from glycine 394.
Molecular consequence: frameshift variant.
Genome position: GRCh38 VCF-style: chr2-108897074-C-CCCAAAGA. GRCh37 (hg19) VCF-style: chr2-109513530-C-CCCAAAGA.
Other names: short protein forms G394fs.
Identifiers: ClinVar variation 4839798 (VCV004839798.1).

ClinVar aggregate classification (germline): Likely pathogenic (1 of 4 stars; one submission).

Conditions:
Inborn genetic diseases. Identifiers: MedGen C0950123, MeSH D030342.

Submission:

Ambry Genetics
Classification: Likely pathogenic for Inborn genetic diseases. Last evaluated: 2026-02-25. Review status: criteria provided, single submitter. Criteria: Ambry Variant Classification Scheme 2023. Collection method: clinical testing. Allele origin: germline.
Comment: The c.1179_1180insTCTTTGG (p.G394Sfs*8) alteration, located in exon 12 (coding exon 11) of the EDAR gene, consists of an insertion of TCTTTGG at position 1179, causing a translational frameshift with a predicted alternate stop codon after 8 amino acids. This variant is not expected to trigger nonsense-mediated mRNA decay, and impacts the last 53 amino acids of the protein. However, premature stop codons are typically deleterious in nature, the impacted region is critical for protein function, and a significant portion of the protein is affected (Ambry internal data). This variant was not reported in population-based cohorts in the Genome Aggregation Database (gnomAD). This variant is located in a region of the protein where truncating variants that escape nonsense mediated mRNA decay have been reported as disease-causing for EDAR-related ectodermal dysplasia. Based on the available evidence, this alteration is classified as likely pathogenic.